The following is an entry in ClinVar:

NM_015335.5(MED13L):c.5904G>A (p.Met1968Ile)

Gene: MED13L (mediator complex subunit 13L; minus strand). Cytogenetic location: 12q24.21.
Variant type: single nucleotide variant.
Coding change: c.5904G>A on transcript NM_015335.5 (MANE Select); coding-DNA position 5904, G replaced by A.
Protein change: p.Met1968Ile; replaces methionine 1968 with isoleucine.
Molecular consequence: missense variant.
Genome position (GRCh38, 1-based): chr12:115,970,757, C>T on the plus strand (G>A on the coding strand, the complement: MED13L is on the minus strand). VCF-style: chr12-115970757-C-T. GRCh37 (hg19) VCF-style: chr12-116408562-C-T.
Other names: short protein forms M1968I.
Identifiers: ClinVar variation 1339169 (VCV001339169.2), dbSNP rs2137223825, ClinGen allele CA386876650.

ClinVar aggregate classification (germline): Uncertain significance (1 of 4 stars; one submission).

Conditions:
Cardiac anomalies - developmental delay - facial dysmorphism syndrome (MRFACD). Also called: Impaired intellectual development and distinctive facial features with or without cardiac defects; MED13L Syndrome. Identifiers: Orphanet 369891, MedGen C5192431, MONDO:0014773, OMIM 616789.

Submission:

Neuberg Centre For Genomic Medicine, NCGM
Classification: Uncertain significance for Cardiac anomalies - developmental delay - facial dysmorphism syndrome. Review status: criteria provided, single submitter. Criteria: ACMG Guidelines, 2015. Collection method: clinical testing. Allele origin: germline. Affected: yes.
Comment: The missense variant p.M1968I in MED13L (NM_015335.4) has not been reported previously as a pathogenic variant nor as a benign variant, to our knowledge. The variant is present in exon 27 which is one of the hotspots for MED13L mutations (Smol T et al, 2018). The p.M1968I variant is novel (not in any individuals) in gnomAD Exomes and is novel (not in any individuals) in 1000 Genomes. The p.M1968I missense variant is predicted to be damaging by both SIFT and PolyPhen2. The methionine residue at codon 1968 of MED13L is conserved in all mammalian species. The nucleotide c.5904 in MED13L is predicted conserved by GERP++ and PhyloP across 100 vertebrates. For these reasons, this variant has been classified as Uncertain Significance.